The following is an entry in ClinVar:

NM_006796.3(AFG3L2):c.1164+18C>T

Gene: AFG3L2 (AFG3 like matrix AAA peptidase subunit 2; minus strand). Cytogenetic location: 18p11.21.
Variant type: single nucleotide variant.
Coding change: c.1164+18C>T on transcript NM_006796.3 (MANE Select); 18 bases into the intron after coding-DNA position 1164, C replaced by T.
Molecular consequence: intron variant.
Genome position (GRCh38, 1-based): chr18:12,356,676, G>A on the plus strand (C>T on the coding strand, the complement: AFG3L2 is on the minus strand). VCF-style: chr18-12356676-G-A. GRCh37 (hg19) VCF-style: chr18-12356675-G-A.
Identifiers: ClinVar variation 507078 (VCV000507078.10), dbSNP rs563588444, ClinGen allele CA8896587.
Genomic context (GRCh38, chr18:12,356,676, plus strand): 5'-ATCTCTAGCAAGTGCCTCCATCTGTGGTGAAGTGGTGGGTGCAAGGAAGCTGTACCATCC[G>A]AACAGAATGAGACTCACTCTAGCAGGGCCCACACCAACGAACATCTCCAAAAACTCAGAT-3'

ClinVar aggregate classification (germline): Likely benign. Review status: criteria provided, multiple submitters, no conflicts (2 of 4 stars). 4 submissions from 4 submitters: Likely benign (4). Last evaluated 2025-10-17.

Allele frequency attached by ClinVar (database versions not stated): ExAC 0.00002; gnomAD 0.00002; gnomAD exomes 0.00003; TOPMed 0.00004.
gnomAD v4.1: 55 of 1,613,880 alleles (0.0034%); highest among the groups gnomAD compares: Middle Eastern, 0.016%; no homozygotes.

Submissions (4):

Labcorp Genetics (formerly Invitae), Labcorp
Classification: Likely benign. Last evaluated: 2025-10-17. Review status: criteria provided, single submitter. Criteria: Invitae Variant Classification Sherloc (09022015). Collection method: clinical testing. Allele origin: germline.

Blueprint Genetics
Classification: Likely benign. Last evaluated: 2024-05-21. Review status: criteria provided, single submitter. Criteria: ACMG Guidelines, 2015. Collection method: clinical testing. Allele origin: germline.

Women's Health and Genetics/Laboratory Corporation of America, LabCorp
Classification: Likely benign. Last evaluated: 2023-10-26. Review status: criteria provided, single submitter. Criteria: LabCorp Variant Classification Summary - May 2015. Collection method: clinical testing. Allele origin: germline.
Comment: Variant summary: AFG3L2 c.1164+18C>T alters a non-conserved nucleotide located at a position not widely known to affect splicing. Consensus agreement among computation tools predict no significant impact on normal splicing. However, these predictions have yet to be confirmed by functional studies. The variant allele was found at a frequency of 3.2e-05 in 251312 control chromosomes (gnomAD). The available data on variant occurrences in the general population are insufficient to allow any conclusion about variant significance. To our knowledge, no occurrence of c.1164+18C>T in individuals affected with Spinocerebellar Ataxia Type 28 and no experimental evidence demonstrating its impact on protein function have been reported. Two submitters have cited clinical-significance assessments for this variant to ClinVar after 2014. All submitters classified the variant as likely benign. Based on the evidence outlined above, the variant was classified as likely benign.

GeneDx
Classification: Likely benign. Last evaluated: 2019-02-25. Review status: criteria provided, single submitter. Criteria: GeneDx Variant Classification Process June 2021. Collection method: clinical testing. Allele origin: germline. Affected: yes.